The following is an entry in ClinVar:

ClinVar aggregate classification (germline): Uncertain significance (1 of 4 stars; one submission).

Allele frequency attached by ClinVar (database versions not stated): gnomAD exomes below 0.00001.
gnomAD v4.1: 5 of 1,614,012 alleles (0.00031%); highest among the groups gnomAD compares: South Asian, 0.0011%; no homozygotes.

Submission:

GeneDx
Classification: Uncertain significance. Last evaluated: 2023-03-10. Review status: criteria provided, single submitter. Criteria: GeneDx Variant Classification Process June 2021. Collection method: clinical testing. Allele origin: germline. Affected: yes.
Comment: Not observed at significant frequency in large population cohorts (gnomAD); In silico analysis supports that this missense variant does not alter protein structure/function; Has not been previously published as pathogenic or benign to our knowledge

NM_006593.4(TBR1):c.147T>A (p.Ser49Arg)

Gene: TBR1 (T-box brain transcription factor 1; plus strand). Cytogenetic location: 2q24.2.
Variant type: single nucleotide variant.
Coding change: c.147T>A on transcript NM_006593.4 (MANE Select); coding-DNA position 147, T replaced by A.
Protein change: p.Ser49Arg; replaces serine 49 with arginine.
Molecular consequence: missense variant.
Genome position (GRCh38, 1-based): chr2:161,416,557, T>A. VCF-style: chr2-161416557-T-A. GRCh37 (hg19) VCF-style: chr2-162273068-T-A.
Other names: short protein forms S49R.
Identifiers: ClinVar variation 2579430 (VCV002579430.1), dbSNP rs747370278, ClinGen allele CA349210639.
Genomic context (GRCh38, chr2:161,416,557, plus strand): 5'-ATCCGAGCTTGTCTTGCACGATCATCCCATTATCTCGACCACTGACAACCTGGAGAGAAG[T>A]TCACCTTTGAAAAAAATTACCAGGGGGATGACGAATCAGTCAGATACAGACAATTTTCCT-3'
Protein context (NP_006584.1, residues 39-59): IISTTDNLER[Ser49Arg]SPLKKITRGM